The following is an entry in ClinVar:

ClinVar aggregate classification (germline): Pathogenic (1 of 4 stars; one submission).

Submission:

Labcorp Genetics (formerly Invitae), Labcorp
Classification: Pathogenic. Last evaluated: 2023-03-16. Review status: criteria provided, single submitter. Criteria: Invitae Variant Classification Sherloc (09022015). Collection method: clinical testing. Allele origin: unknown.
Comment: For these reasons, this variant has been classified as Pathogenic. This variant has not been reported in the literature in individuals affected with TRMU-related conditions. This variant is a gross deletion of the genomic region encompassing exon(s) 1-3 of the TRMU gene, which includes the initiator codon. This deletion extends beyond the assayed region for this gene and therefore may encompass additional genes. It is expected to result in an absent or disrupted protein product. Loss-of-function variants in TRMU are known to be pathogenic (PMID: 19732863, 23625533).

Literature cited by the submitters: PubMed 19732863; PubMed 23625533.

NC_000022.10:g.(?_46731662)_(46739285_?)del

Gene: TRMU (tRNA mitochondrial 2-thiouridylase; plus strand). Cytogenetic location: 22q13.31.
Variant type: Deletion.
Identifiers: ClinVar variation 3248127 (VCV003248127.1).